The following is an entry in ClinVar:

ClinVar aggregate classification (germline): Uncertain significance (1 of 4 stars; one submission).

Conditions:
Familial encephalopathy with neuroserpin inclusion bodies. Also called: ENCEPHALOPATHY, FAMILIAL, WITH COLLINS BODIES. Identifiers: Orphanet 85110, MedGen C1858680, MONDO:0011412, OMIM 604218.

Submission:

Labcorp Genetics (formerly Invitae), Labcorp
Classification: Uncertain significance for Familial encephalopathy with neuroserpin inclusion bodies. Last evaluated: 2018-03-18. Review status: criteria provided, single submitter. Criteria: Invitae Variant Classification Sherloc (09022015). Collection method: clinical testing. Allele origin: germline.
Comment: This sequence change creates a premature translational stop signal (p.Glu347*) in the SERPINI1 gene. It is expected to result in an absent or disrupted protein product. This variant is not present in population databases (ExAC no frequency). This variant has not been reported in the literature in individuals with SERPINI1-related disease. The current clinical and genetic evidence is not sufficient to establish whether loss-of-function variants in SERPINI1 cause disease. In summary, the available evidence is currently insufficient to determine the role of this variant in disease. Therefore, it has been classified as a Variant of Uncertain Significance.

NM_001122752.2(SERPINI1):c.1039G>T (p.Glu347Ter)

Gene: SERPINI1 (serpin family I member 1; plus strand). Cytogenetic location: 3q26.1.
Variant type: single nucleotide variant.
Coding change: c.1039G>T on transcript NM_001122752.2 (MANE Select); coding-DNA position 1039, G replaced by T.
Protein change: p.Glu347Ter; replaces glutamic acid 347 with a stop codon.
Molecular consequence: nonsense.
Genome position (GRCh38, 1-based): chr3:167,823,045, G>T. VCF-style: chr3-167823045-G-T. GRCh37 (hg19) VCF-style: chr3-167540833-G-T.
Other names: c.1039G>T, p.Glu347Ter (NM_005025.5); short protein forms E347*.
Identifiers: ClinVar variation 575577 (VCV000575577.6), dbSNP rs1560020073, ClinGen allele CA355157720.